The following is an entry in ClinVar:

ClinVar aggregate classification (germline): Pathogenic (0 of 4 stars; one submission).

Conditions:
Catecholaminergic polymorphic ventricular tachycardia (CVPT). Also called: Catecholamine-induced polymorphic ventricular tachycardia. Identifiers: Orphanet 3286, MedGen C5574922, MONDO:0017990.

gnomAD v4.1: 2 of 1,610,272 alleles (0.00012%); highest among the groups gnomAD compares: South Asian, 0.0022%; no homozygotes.

Submission:

Genetics and Genomics Program, Sidra Medicine
Classification: Pathogenic for Catecholaminergic polymorphic ventricular tachycardia. Review status: no assertion criteria provided. Collection method: research. Allele origin: unknown. Affected: yes.
Comment: The c.296G>A variant in TECRL results in a stop gained, leading to a truncated protein and loss of function (PVS1). The variant is not reported in gnomAD as homozygous, suggesting it is rare (PM2). The evidence supports a pathogenic classification (ACMG codes: PVS1, PM2, PP3).

NM_001010874.5(TECRL):c.296G>A (p.Trp99Ter)

Gene: TECRL (trans-2,3-enoyl-CoA reductase like; minus strand). Cytogenetic location: 4q13.1.
Variant type: single nucleotide variant.
Coding change: c.296G>A on transcript NM_001010874.5 (MANE Select); coding-DNA position 296, G replaced by A.
Protein change: p.Trp99Ter; replaces tryptophan 99 with a stop codon.
Molecular consequence: nonsense.
Genome position (GRCh38, 1-based): chr4:64,328,547, C>T on the plus strand (G>A on the coding strand, the complement: TECRL is on the minus strand). VCF-style: chr4-64328547-C-T. GRCh37 (hg19) VCF-style: chr4-65194265-C-T.
Other names: c.296G>A, p.Trp99Ter (NM_001363796.1); short protein forms W99*.
Identifiers: ClinVar variation 3358902 (VCV003358902.1).
Genomic context (GRCh38, chr4:64,328,547, plus strand): 5'-CACATCAGTGAAAAATGCTTCTTACCACATTCTAGCTGCAGACCAACTCGAGAAGGGTAC[C>T]ACTTTGGACCTATTCAATGAAAAATAACATTTAATTGTCAGAAAAAGTGTAACTATAGCT-3'